The following is an entry in ClinVar:

ClinVar aggregate classification (germline): Conflicting classifications of pathogenicity. Review status: criteria provided, conflicting classifications (1 of 4 stars). 2 submissions from 2 submitters: Uncertain significance (1); Likely benign (1). Last evaluated 2026-09-08.

Conditions:
Cardiovascular phenotype. Identifiers: MedGen CN230736.
Fabry disease. Also called: Angiokeratoma corporis diffusum; Fabry's disease; ALPHA-GALACTOSIDASE A DEFICIENCY; ANDERSON-FABRY DISEASE; CERAMIDE TRIHEXOSIDASE DEFICIENCY; GLA DEFICIENCY. Identifiers: Orphanet 324, MedGen C0002986, MONDO:0010526, OMIM 301500, HP:0001071. Disease mechanism: Fabry disease is due to inactivating mutations in the X-linked GLA gene resulting in deficiency of the enzyme Alpha Galactosidase-A., loss of function.

Submissions (2):

Genomenon, Inc
Classification: Uncertain significance for Fabry disease. Last evaluated: 2026-09-08. Review status: criteria provided, single submitter. Criteria: Genomenon Sequence Variant Interpretation Standards - Updated. Collection method: curation. Allele origin: germline. Affected: no.
Comment: GLA c.609G>A is a synonymous variant that retains Glutamic acid at codon 203. This variant has been reported in the published literature (PMID:27585509). It is absent or not present at a significant frequency in gnomAD. In silico models predict that this variant is possibly or probably damaging. In conclusion, we classify GLA p.Glu203= (c.609G>A) as a variant of uncertain significance.

Ambry Genetics
Classification: Likely benign for Cardiovascular phenotype. Last evaluated: 2024-06-28. Review status: criteria provided, single submitter. Criteria: Ambry Variant Classification Scheme 2023. Collection method: clinical testing. Allele origin: germline.

Literature cited by the submitters: PubMed 27585509 (cited by Genomenon, Inc).

NM_000169.3(GLA):c.609G>A (p.Glu203=)

Genes: GLA (galactosidase alpha; minus strand), RPL36A-HNRNPH2 (RPL36A-HNRNPH2 readthrough; plus strand). Cytogenetic location: Xq22.1.
Variant type: single nucleotide variant.
Coding change: c.609G>A on transcript NM_000169.3 (MANE Select); coding-DNA position 609, G replaced by A.
Protein change: p.Glu203=; no amino-acid change (glutamic acid 203 retained).
Molecular consequence: synonymous variant. On other transcripts: non-coding transcript variant (2), intron variant (2).
Genome position (GRCh38, 1-based): chrX:101,400,696, C>T on the plus strand (G>A on the coding strand, the complement: GLA is on the minus strand). VCF-style: chrX-101400696-C-T. GRCh37 (hg19) VCF-style: chrX-100655684-C-T.
Other names: c.732G>A, p.Glu244= (NM_001406747.1); c.609G>A, p.Glu203= (NM_001406748.1); c.300+5239C>T (NM_001199973.2); c.177+8874C>T (NM_001199974.2).
Identifiers: ClinVar variation 3520378 (VCV003520378.2).